The following is an entry in ClinVar:

NM_173354.5(SIK1):c.1233_1244del (p.Ser411_Trp415delinsArg)

Gene: SIK1 (salt inducible kinase 1; minus strand). Cytogenetic location: 21q22.3.
Variant type: Deletion.
Coding change: c.1233_1244del on transcript NM_173354.5 (MANE Select); coding-DNA positions 1233 to 1244, 12 bases deleted (CTCGCTGCAGTG).
Protein change: p.Ser411_Trp415delinsArg.
Molecular consequence: inframe indel.
Genome position (GRCh38, 1-based): chr21:43,419,354-43,419,365, CACTGCAGCGAG deleted on the plus strand (CTCGCTGCAGTG on the coding strand, the reverse complement: SIK1 is on the minus strand); deleting any 12 consecutive bases within chr21:43,419,354-43,419,366 gives the same sequence; the c. name uses the placement nearest the transcript's 3' end. VCF-style (leftmost placement, unchanged base first): chr21-43419353-CCACTGCAGCGAG-C. GRCh37 (hg19) VCF-style: chr21-44839233-CCACTGCAGCGAG-C.
Identifiers: ClinVar variation 1710878 (VCV001710878.2), dbSNP rs2516966046, ClinGen allele CA2580098826.
Genomic context (GRCh38, chr21:43,419,353, plus strand): 5'-ACCGGGGGCACCAGGGCTGGGCTGAGGCGAGCCCTCTGCACACCCGCTGTGGGCACTCAC[CCACTGCAGCGAG>C]CTCTGGAGCTCACAGTCCATCTCGGCCTGGAGGACGGACTGCACCAAGGTCTGCGGCTGC-3'

ClinVar aggregate classification (germline): Uncertain significance (1 of 4 stars; one submission).

Submission:

GeneDx
Classification: Uncertain significance. Last evaluated: 2022-04-15. Review status: criteria provided, single submitter. Criteria: GeneDx Variant Classification Process June 2021. Collection method: clinical testing. Allele origin: germline. Affected: yes.
Comment: Not observed at significant frequency in large population cohorts (gnomAD); In-frame deletion of 5 correct amino acids and insertion of 1 incorrect amino acid in a non-repeat region; In silico analysis supports a deleterious effect on protein structure/function; Has not been previously published as pathogenic or benign to our knowledge